The following is an entry in ClinVar:

NM_000631.5(NCF4):c.342+4C>G

Genes: NCF4 (neutrophil cytosolic factor 4; plus strand), NCF4-AS1 (NCF4 antisense RNA 1; minus strand). Cytogenetic location: 22q12.3.
Variant type: single nucleotide variant.
Coding change: c.342+4C>G on transcript NM_000631.5 (MANE Select); 4 bases into the intron after coding-DNA position 342, C replaced by G.
Molecular consequence: intron variant.
Genome position (GRCh38, 1-based): chr22:36,867,466, C>G. VCF-style: chr22-36867466-C-G. GRCh37 (hg19) VCF-style: chr22-37263508-C-G.
Other names: c.342+4C>G (NM_013416.4).
Identifiers: ClinVar variation 1044715 (VCV001044715.5), dbSNP rs777266078, ClinGen allele CA639159288.

ClinVar aggregate classification (germline): Uncertain significance (1 of 4 stars; one submission).

Conditions:
Granulomatous disease, chronic, autosomal recessive, cytochrome b-positive, type 3. Also called: GRANULOMATOUS DISEASE, CHRONIC, AUTOSOMAL RECESSIVE, 3; GRANULOMATOUS DISEASE, CHRONIC, DUE TO NCF4 DEFICIENCY; Granulomatous disease, chronic, autosomal recessive, cytochrome b-positive, type III; CGD, AUTOSOMAL RECESSIVE CYTOCHROME b-POSITIVE, TYPE III. Identifiers: Orphanet 379, MedGen C3151409, MONDO:0013507, OMIM 613960.

Allele frequency attached by ClinVar (database versions not stated): TOPMed below 0.00001; gnomAD exomes 0.00001.
gnomAD v4.1: 4 of 1,614,112 alleles (0.00025%); highest among the groups gnomAD compares: Admixed American, 0.0067%; no homozygotes.

Submission:

Labcorp Genetics (formerly Invitae), Labcorp
Classification: Uncertain significance for Granulomatous disease, chronic, autosomal recessive, cytochrome b-positive, type 3. Last evaluated: 2022-07-06. Review status: criteria provided, single submitter. Criteria: Invitae Variant Classification Sherloc (09022015). Collection method: clinical testing. Allele origin: germline.
Comment: Variants that disrupt the consensus splice site are a relatively common cause of aberrant splicing (PMID: 17576681, 9536098). Algorithms developed to predict the effect of sequence changes on RNA splicing suggest that this variant is not likely to affect RNA splicing. ClinVar contains an entry for this variant (Variation ID: 1044715). This variant has not been reported in the literature in individuals affected with NCF4-related conditions. This variant is present in population databases (no rsID available, gnomAD 0.006%). This sequence change falls in intron 4 of the NCF4 gene. It does not directly change the encoded amino acid sequence of the NCF4 protein. It affects a nucleotide within the consensus splice site. In summary, the available evidence is currently insufficient to determine the role of this variant in disease. Therefore, it has been classified as a Variant of Uncertain Significance.

Literature cited by the submitters: PubMed 17576681; PubMed 9536098.